The following is an entry in ClinVar:

NM_032237.5(POMK):c.795C>T (p.Asp265=)

Gene: POMK (protein O-mannose kinase; plus strand). Cytogenetic location: 8p11.21.
Variant type: single nucleotide variant.
Coding change: c.795C>T on transcript NM_032237.5 (MANE Select); coding-DNA position 795, C replaced by T.
Protein change: p.Asp265=; no amino-acid change (aspartic acid 265 retained).
Molecular consequence: synonymous variant.
Genome position (GRCh38, 1-based): chr8:43,122,619, C>T. VCF-style: chr8-43122619-C-T. GRCh37 (hg19) VCF-style: chr8-42977762-C-T.
Other names: p.Asp265=; c.795C>T, p.Asp265= (NM_001277971.2).
Identifiers: ClinVar variation 382926 (VCV000382926.13), dbSNP rs36071326, ClinGen allele CA4736358.

ClinVar aggregate classification (germline): Benign. Review status: criteria provided, multiple submitters, no conflicts (2 of 4 stars). 4 submissions from 4 submitters: Benign (4). Last evaluated 2026-02-01.

Conditions:
Muscular dystrophy-dystroglycanopathy (congenital with brain and eye anomalies), type a, 12 (MDDGA12). Also called: WALKER-WARBURG SYNDROME OR MUSCLE-EYE-BRAIN DISEASE, POMK-RELATED. Identifiers: Orphanet 899, MedGen C3808964, MONDO:0014101, OMIM 615249.
Limb-girdle muscular dystrophy due to POMK deficiency. Also called: Muscular dystrophy-dystroglycanopathy (limb-girdle), type c, 12; MUSCULAR DYSTROPHY-DYSTROGLYCANOPATHY, LIMB-GIRDLE, POMK-RELATED. Identifiers: Orphanet 445110, MedGen C4015184, MONDO:0014489, OMIM 616094.

Allele frequency attached by ClinVar (database versions not stated): gnomAD exomes 0.00132 and 0.00361; ExAC 0.00449; gnomAD 0.01439 and 0.01548; TOPMed 0.01528; ESP Exome Variant Server 0.01622; 1000 Genomes Project 0.01697; 1000 Genomes Project 30x 0.01796.
gnomAD v4.1: 4,191 of 1,614,146 alleles (0.26%); highest among the groups gnomAD compares: African/African-American, 5.1%; 93 homozygotes.

Submissions (4):

Labcorp Genetics (formerly Invitae), Labcorp
Classification: Benign for Muscular dystrophy-dystroglycanopathy (congenital with brain and eye anomalies), type a, 12; Limb-girdle muscular dystrophy due to POMK deficiency. Last evaluated: 2026-02-01. Review status: criteria provided, single submitter. Criteria: Invitae Variant Classification Sherloc (09022015). Collection method: clinical testing. Allele origin: germline.

Mayo Clinic Laboratories, Mayo Clinic
Classification: Benign. Last evaluated: 2024-03-21. Review status: criteria provided, single submitter. Criteria: ACMG Guidelines, 2015. Collection method: clinical testing. Allele origin: germline. Observed: 11 variant alleles.
Comment: BA1, BS2, BP4

GeneDx
Classification: Benign. Last evaluated: 2016-02-04. Review status: criteria provided, single submitter. Criteria: GeneDx Variant Classification (06012015). Collection method: clinical testing. Allele origin: germline. Affected: yes.
Comment: This variant is considered likely benign or benign based on one or more of the following criteria: it is a conservative change, it occurs at a poorly conserved position in the protein, it is predicted to be benign by multiple in silico algorithms, and/or has population frequency not consistent with disease.

Breakthrough Genomics
Classification: Benign. Review status: criteria provided, single submitter. Criteria: ACMG Guidelines, 2015. Collection method: not provided. Allele origin: germline. Inheritance: Autosomal recessive inheritance. Affected: yes.